The following is an entry in ClinVar:

ClinVar aggregate classification (germline): Likely pathogenic. Review status: criteria provided, multiple submitters, no conflicts (2 of 4 stars). 5 submissions from 5 submitters: Likely pathogenic (5). Last evaluated 2025-09-13.

Conditions:
Dilated cardiomyopathy 1G (CMD1G). Identifiers: Orphanet 154, MedGen C1858763, MONDO:0011400, OMIM 604145.
Autosomal recessive limb-girdle muscular dystrophy type 2J (LGMDR10). Also called: Limb-girdle muscular dystrophy, type 2J; MUSCULAR DYSTROPHY, LIMB-GIRDLE, AUTOSOMAL RECESSIVE 10. Identifiers: Orphanet 140922, MedGen C1837342, MONDO:0012127, OMIM 608807.
Cardiovascular phenotype. Identifiers: MedGen CN230736.
Cardiomyopathy (CMYO). Also called: Cardiomyopathies. Identifiers: Orphanet 167848, MedGen C0878544, MONDO:0004994, HP:0001638. Inheritance: Various modes of inheritance.
Primary dilated cardiomyopathy (DCM). Also called: Dilated Cardiomyopathy. Identifiers: Orphanet 217604, MedGen C0007193, MeSH D002311, MONDO:0005021, HP:0001644. Inheritance: Various modes of inheritance.

Submissions (5):

Labcorp Genetics (formerly Invitae), Labcorp
Classification: Likely pathogenic for Dilated cardiomyopathy 1G; Autosomal recessive limb-girdle muscular dystrophy type 2J. Last evaluated: 2025-09-13. Review status: criteria provided, single submitter. Criteria: Invitae Variant Classification Sherloc (09022015). Collection method: clinical testing. Allele origin: germline.
Comment: This sequence change creates a premature translational stop signal (p.Lys27114Glnfs*9) in the TTN gene. While this is not anticipated to result in nonsense mediated decay, it is expected to create a truncated TTN protein. This variant is present in population databases (no rsID available, gnomAD 0.0009%). This premature translational stop signal has been observed in individual(s) with dilated cardiomyopathy (internal data). ClinVar contains an entry for this variant (Variation ID: 263802). This variant is located in the A band of TTN (PMID: 25589632). Truncating variants in this region are significantly overrepresented in patients affected with dilated cardiomyopathy (PMID: 25589632). Truncating variants in this region have also been reported in individuals affected with autosomal recessive centronuclear myopathy (PMID: 23975875). In summary, the currently available evidence indicates that the variant is pathogenic, but additional data are needed to prove that conclusively. Therefore, this variant has been classified as Likely Pathogenic.

Lildballe Lab, Aarhus University Hospital
Classification: Likely pathogenic for dilated cardiomyopathy. Last evaluated: 2024-03-01. Review status: criteria provided, single submitter. Criteria: ACMG Guidelines, 2015. Collection method: research. Allele origin: germline. Affected: yes.
Comment: PVS1(vs), PM2(sup)

CHEO Genetics Diagnostic Laboratory, Children's Hospital of Eastern Ontario
Classification: Likely pathogenic for Cardiomyopathy. Last evaluated: 2023-01-31. Review status: criteria provided, single submitter. Criteria: ACMG Guidelines, 2015. Collection method: clinical testing. Allele origin: germline.

Mayo Clinic Laboratories, Mayo Clinic
Classification: Likely pathogenic. Last evaluated: 2021-12-23. Review status: criteria provided, single submitter. Criteria: ACMG Guidelines, 2015. Collection method: clinical testing. Allele origin: germline.
Comment: PM2_supporting, PS4_moderate, PVS1

Ambry Genetics
Classification: Likely pathogenic for Cardiovascular phenotype. Last evaluated: 2013-11-13. Review status: criteria provided, single submitter. Criteria: Ambry Autosomal Dominant and X-Linked criteria (10/2015). Collection method: clinical testing. Allele origin: germline. Observed: 1 variant allele.
Comment: Ã¢â‚¬â€¹The c.73636_73640delAAGAA likely pathogenic variant, located in coding exon 274 of the TTN gene, results from a deletion of five nucleotides between positions 73636 and 73640, causing a translational frameshift with a predicted alternate stop codon. Frameshift alterations resulting in a truncated protein substantially alter protein structure, and this variant therefore meets ACMG criteria for classification as a mutation (ACMG Recommendations for Standards for Interpretation and Reporting of Sequence Variations. Revision 2007. Genet Med 2008;10:294). Furthermore, truncating alterations in TTN were observed at a significantly higher frequency among patients with dilated cardiomyopathy (DCM), or 54/203 (27%), compared to patients with hypertrophic cardiomyopathy (3/231, 1%, P=9x10-14) and healthy controls (7 of 247, 3%, P=4x10-5). Among families with multiple relatives with DCM, this study also provided strong data demonstrating segregation with disease (Herman DS et al. N Eng J Med. 2012;366:619-628). However, the functional consequence of protein truncating alterations in TTN have not been well described, and this specific alteration (TTN c.73636_73640delAAGAA) has not been reported in the literature. Therefore, this variant is likely to be pathogenic; however, due to the uncertainty of the functional and clinical consequences, its significance remains unclear.

Literature cited by the submitters: PubMed 25589632 (cited by Labcorp Genetics (formerly Invitae), Labcorp); PubMed 23975875 (cited by Labcorp Genetics (formerly Invitae), Labcorp); PubMed 25741941 (cited by Lildballe Lab, Aarhus University Hospital); PubMed 39481677 (cited by Lildballe Lab, Aarhus University Hospital); PubMed 28152038 (cited by Mayo Clinic Laboratories, Mayo Clinic).

NM_001267550.2(TTN):c.81340_81344del (p.Lys27114fs)

Genes: TTN (titin; minus strand), TTN-AS1 (TTN antisense RNA 1; plus strand). Cytogenetic location: 2q31.2.
Variant type: Microsatellite.
Coding change: c.81340_81344del on transcript NM_001267550.2 (MANE Select); coding-DNA positions 81340 to 81344, 5 bases deleted (AAGAA; older notation c.81340_81344delAAGAA).
Protein change: p.Lys27114fs; shifts the reading frame from lysine 27114.
Molecular consequence: frameshift variant.
Genome position (GRCh38, 1-based): chr2:178,564,788-178,564,792, TTCTT deleted on the plus strand (AAGAA on the coding strand, the reverse complement: TTN is on the minus strand); deleting any 5 consecutive bases within chr2:178,564,788-178,564,798 gives the same sequence; the c. name uses the placement nearest the transcript's 3' end. VCF-style (leftmost placement, unchanged base first): chr2-178564787-GTTCTT-G. GRCh37 (hg19) VCF-style: chr2-179429514-GTTCTT-G.
Other names: p.Lys25473Glnfs*9; c.81340_81344delAAGAA (NM_001267550.2); c.73636_73640delAAGAA (NM_133378.4); c.76417_76421del, p.Lys25473fs (NM_001256850.1); c.54145_54149del, p.Lys18049fs (NM_003319.4); c.73636_73640del, p.Lys24546fs (NM_133378.4); c.54520_54524del, p.Lys18174fs (NM_133432.3); c.54721_54725del, p.Lys18241fs (NM_133437.4); short protein forms K18174fs, K25473fs, K27114fs, K24546fs, K18049fs, K18241fs.
Identifiers: ClinVar variation 263802 (VCV000263802.15), dbSNP rs886038928, ClinGen allele CA10587471.